The following is an entry in ClinVar:

ClinVar aggregate classification (germline): Uncertain significance. Review status: criteria provided, multiple submitters, no conflicts (2 of 4 stars). 2 submissions from 2 submitters: Uncertain significance (2). Last evaluated 2025-11-27.

Conditions:
Tietz syndrome (TADS). Also called: ALBINISM-DEAFNESS OF TIETZ; TIETZ ALBINISM-DEAFNESS SYNDROME; HYPOPIGMENTATION/DEAFNESS OF TIETZ. Identifiers: Orphanet 42665, MedGen C0391816, MONDO:0007077, OMIM 103500.
Waardenburg syndrome type 2A (WS2A). Also called: WAARDENBURG SYNDROME WITHOUT DYSTOPIA CANTHORUM. Identifiers: Orphanet 3440, MedGen C1860339, MONDO:0008671, OMIM 193510.
Melanoma, cutaneous malignant, susceptibility to, 8. Also called: MELANOMA AND RENAL CELL CARCINOMA, SUSCEPTIBILITY TO; Cutaneous malignant melanoma 8. Identifiers: Orphanet 293822, MedGen C3152204, MONDO:0013759, OMIM 614456.

gnomAD v4.1: 1 of 1,614,108 alleles (0.000062%); highest among the groups gnomAD compares: Admixed American, 0.0017%; no homozygotes.

Submissions (2):

Labcorp Genetics (formerly Invitae), Labcorp
Classification: Uncertain significance for Melanoma, cutaneous malignant, susceptibility to, 8; Waardenburg syndrome type 2A; Tietz syndrome. Last evaluated: 2025-11-27. Review status: criteria provided, single submitter. Criteria: Invitae Variant Classification Sherloc (09022015). Collection method: clinical testing. Allele origin: germline.
Comment: This sequence change replaces aspartic acid, which is acidic and polar, with asparagine, which is neutral and polar, at codon 334 of the MITF protein (p.Asp334Asn). This variant is not present in population databases (gnomAD no frequency). This variant has not been reported in the literature in individuals affected with MITF-related conditions. ClinVar contains an entry for this variant (Variation ID: 3366182). Invitae Evidence Modeling of protein sequence and biophysical properties (such as structural, functional, and spatial information, amino acid conservation, physicochemical variation, residue mobility, and thermodynamic stability) indicates that this missense variant is not expected to disrupt MITF protein function with a negative predictive value of 80%. In summary, the available evidence is currently insufficient to determine the role of this variant in disease. Therefore, it has been classified as a Variant of Uncertain Significance.

GeneDx
Classification: Uncertain significance. Last evaluated: 2023-10-18. Review status: criteria provided, single submitter. Criteria: GeneDx Variant Classification Process June 2021. Collection method: clinical testing. Allele origin: germline. Affected: yes.
Comment: Not observed at significant frequency in large population cohorts (gnomAD); In silico analysis supports that this missense variant does not alter protein structure/function; Has not been previously published as pathogenic or benign to our knowledge

NM_001354604.2(MITF):c.1321G>A (p.Asp441Asn)

Gene: MITF (melanocyte inducing transcription factor; plus strand). Cytogenetic location: 3p13.
Variant type: single nucleotide variant.
Coding change: c.1321G>A on transcript NM_001354604.2 (MANE Select); coding-DNA position 1321, G replaced by A.
Protein change: p.Asp441Asn; replaces aspartic acid 441 with asparagine.
Molecular consequence: missense variant.
Genome position (GRCh38, 1-based): chr3:69,964,988, G>A. VCF-style: chr3-69964988-G-A. GRCh37 (hg19) VCF-style: chr3-70014139-G-A.
Other names: c.1000G>A, p.Asp334Asn (NM_000248.4); c.1147G>A, p.Asp383Asn (NM_001184967.2, NM_001354608.2); c.1318G>A, p.Asp440Asn (NM_001354605.2); c.1300G>A, p.Asp434Asn (NM_001354606.2, NM_006722.3); c.1252G>A, p.Asp418Asn (NM_001354607.2); c.982G>A, p.Asp328Asn (NM_198158.3); c.1303G>A, p.Asp435Asn (NM_198159.3); c.1255G>A, p.Asp419Asn (NM_198177.3); and 1 more; short protein forms D272N, D328N, D334N, D383N, D418N, D419N, D434N, D435N.
Identifiers: ClinVar variation 3366182 (VCV003366182.3).